The following is an entry in ClinVar:

ClinVar aggregate classification (germline): Uncertain significance (1 of 4 stars; one submission).

Conditions:
Hereditary cancer-predisposing syndrome. Also called: Neoplastic Syndromes, Hereditary; Hereditary Cancer Syndrome; Hereditary neoplastic syndrome; Tumor predisposition. Identifiers: Orphanet 140162, MedGen C0027672, MeSH D009386, MONDO:0015356.

Submission:

Ambry Genetics
Classification: Uncertain significance for Hereditary cancer-predisposing syndrome. Last evaluated: 2023-04-19. Review status: criteria provided, single submitter. Criteria: Ambry Variant Classification Scheme 2023. Collection method: clinical testing. Allele origin: germline.
Comment: The p.H144Y variant (also known as c.430C>T), located in coding exon 6 of the POLE gene, results from a C to T substitution at nucleotide position 430. The histidine at codon 144 is replaced by tyrosine, an amino acid with similar properties. This amino acid position is conserved. In addition, this alteration is predicted to be deleterious by in silico analysis. Since supporting evidence is limited at this time, the clinical significance of this alteration remains unclear.

NM_006231.4(POLE):c.430C>T (p.His144Tyr)

Gene: POLE (DNA polymerase epsilon, catalytic subunit; minus strand). Cytogenetic location: 12q24.33.
Variant type: single nucleotide variant.
Coding change: c.430C>T on transcript NM_006231.4 (MANE Select); coding-DNA position 430, C replaced by T.
Protein change: p.His144Tyr; replaces histidine 144 with tyrosine.
Molecular consequence: missense variant.
Genome position (GRCh38, 1-based): chr12:132,679,645, G>A on the plus strand (C>T on the coding strand, the complement: POLE is on the minus strand). VCF-style: chr12-132679645-G-A. GRCh37 (hg19) VCF-style: chr12-133256231-G-A.
Other names: short protein forms H144Y.
Identifiers: ClinVar variation 2562924 (VCV002562924.2), dbSNP rs2136027826, ClinGen allele CA387367632.